The following is an entry in ClinVar:

ClinVar aggregate classification (germline): Uncertain significance (0 of 4 stars; one submission).

Conditions:
SLC25A13-related disorder. Also called: SLC25A13-related condition.

gnomAD v4.1: 3 of 1,613,564 alleles (0.00019%); highest among the groups gnomAD compares: Non-Finnish European, 0.00025%; no homozygotes.

Submission:

PreventionGenetics, part of Exact Sciences
Classification: Uncertain significance for SLC25A13-related condition. Last evaluated: 2024-07-11. Review status: no assertion criteria provided. Collection method: clinical testing. Allele origin: germline.
Comment: The SLC25A13 c.849-6C>G variant is predicted to interfere with splicing. To our knowledge, this variant has not been reported in the literature. This variant is reported in 0.00088% of alleles in individuals of European (Non-Finnish) descent in gnomAD. At this time, the clinical significance of this variant is uncertain due to the absence of conclusive functional and genetic evidence.

NM_014251.3(SLC25A13):c.849-6C>G

Gene: SLC25A13 (solute carrier family 25 member 13; minus strand). Cytogenetic location: 7q21.3.
Variant type: single nucleotide variant.
Coding change: c.849-6C>G on transcript NM_014251.3 (MANE Select); 6 bases into the intron before coding-DNA position 849, C replaced by G.
Molecular consequence: intron variant.
Genome position (GRCh38, 1-based): chr7:96,189,384, G>C on the plus strand (C>G on the coding strand, the complement: SLC25A13 is on the minus strand). VCF-style: chr7-96189384-G-C. GRCh37 (hg19) VCF-style: chr7-95818696-G-C.
Other names: c.849-6C>G (NM_001160210.2).
Identifiers: ClinVar variation 3346013 (VCV003346013.1).